The following is an entry in ClinVar:

NM_001510.4(GRID2):c.483A>T (p.Thr161=)

Gene: GRID2 (glutamate ionotropic receptor delta type subunit 2; plus strand). Cytogenetic location: 4q22.2.
Variant type: single nucleotide variant.
Coding change: c.483A>T on transcript NM_001510.4 (MANE Select); coding-DNA position 483, A replaced by T.
Protein change: p.Thr161=; no amino-acid change (threonine 161 retained).
Molecular consequence: synonymous variant. On other transcripts: intron variant (1).
Genome position (GRCh38, 1-based): chr4:93,085,233, A>T. VCF-style: chr4-93085233-A-T. GRCh37 (hg19) VCF-style: chr4-94006384-A-T.
Other names: c.245-25515A>T (NM_001286838.1).
Identifiers: ClinVar variation 728283 (VCV000728283.9), dbSNP rs777156250, ClinGen allele CA3011975.

ClinVar aggregate classification (germline): Benign/Likely benign. Review status: criteria provided, multiple submitters, no conflicts (2 of 4 stars). 2 submissions from 2 submitters: Benign (1); Likely benign (1). Last evaluated 2026-07-01.

Allele frequency attached by ClinVar (database versions not stated): gnomAD 0.00009 and 0.00010; TOPMed 0.00018; ExAC 0.00045; gnomAD exomes 0.00055.
gnomAD v4.1: 170 of 1,613,530 alleles (0.011%); highest among the groups gnomAD compares: Admixed American, 0.28%; 2 homozygotes.

Submissions (2):

CeGaT Center for Human Genetics Tuebingen
Classification: Likely benign. Last evaluated: 2026-07-01. Review status: criteria provided, single submitter. Criteria: CeGaT Center For Human Genetics Tuebingen Variant Classification Criteria Version 2. Collection method: clinical testing. Allele origin: germline. Affected: yes. Observed: 1 variant allele.
Comment: GRID2: BP4, BP7

Labcorp Genetics (formerly Invitae), Labcorp
Classification: Benign. Last evaluated: 2025-11-19. Review status: criteria provided, single submitter. Criteria: Invitae Variant Classification Sherloc (09022015). Collection method: clinical testing. Allele origin: germline.